The following is an entry in ClinVar:

ClinVar aggregate classification (germline): Uncertain significance (1 of 4 stars; one submission).

Conditions:
Hereditary sensory and autonomic neuropathy type 7. Also called: HSAN VII; Neuropathy, hereditary sensory and autonomic, type VII. Identifiers: Orphanet 391397, MedGen C3809882, MONDO:0014244, OMIM 615548.
Familial episodic pain syndrome with predominantly lower limb involvement. Also called: Episodic pain syndrome, familial, 3. Identifiers: Orphanet 391384, Orphanet 391392, MedGen C3809899, MONDO:0014247, OMIM 615552.

Submission:

Labcorp Genetics (formerly Invitae), Labcorp
Classification: Uncertain significance for Familial episodic pain syndrome with predominantly lower limb involvement; Hereditary sensory and autonomic neuropathy type 7. Last evaluated: 2024-10-15. Review status: criteria provided, single submitter. Criteria: Invitae Variant Classification Sherloc (09022015). Collection method: clinical testing. Allele origin: germline.
Comment: This sequence change replaces glycine, which is neutral and non-polar, with valine, which is neutral and non-polar, at codon 1527 of the SCN11A protein (p.Gly1527Val). This variant is not present in population databases (gnomAD no frequency). This variant has not been reported in the literature in individuals affected with SCN11A-related conditions. Invitae Evidence Modeling of protein sequence and biophysical properties (such as structural, functional, and spatial information, amino acid conservation, physicochemical variation, residue mobility, and thermodynamic stability) indicates that this missense variant is expected to disrupt SCN11A protein function with a positive predictive value of 80%. In summary, the available evidence is currently insufficient to determine the role of this variant in disease. Therefore, it has been classified as a Variant of Uncertain Significance.

NM_001349253.2(SCN11A):c.4580G>T (p.Gly1527Val)

Gene: SCN11A (sodium voltage-gated channel alpha subunit 11; minus strand). Cytogenetic location: 3p22.2.
Variant type: single nucleotide variant.
Coding change: c.4580G>T on transcript NM_001349253.2 (MANE Select); coding-DNA position 4580, G replaced by T.
Protein change: p.Gly1527Val; replaces glycine 1527 with valine.
Molecular consequence: missense variant.
Genome position (GRCh38, 1-based): chr3:38,847,490, C>A on the plus strand (G>T on the coding strand, the complement: SCN11A is on the minus strand). VCF-style: chr3-38847490-C-A. GRCh37 (hg19) VCF-style: chr3-38888981-C-A.
Other names: c.4580G>T, p.Gly1527Val (NM_014139.3); short protein forms G1527V.
Identifiers: ClinVar variation 3758372 (VCV003758372.2).